The following is an entry in ClinVar:

NM_004187.5(KDM5C):c.2041C>A (p.Arg681=)

Gene: KDM5C (lysine demethylase 5C; minus strand). Cytogenetic location: Xp11.22.
Variant type: single nucleotide variant.
Coding change: c.2041C>A on transcript NM_004187.5 (MANE Select); coding-DNA position 2041, C replaced by A.
Protein change: p.Arg681=; no amino-acid change (arginine 681 retained).
Molecular consequence: synonymous variant. On other transcripts: non-coding transcript variant (3).
Genome position (GRCh38, 1-based): chrX:53,201,570, G>T on the plus strand (C>A on the coding strand, the complement: KDM5C is on the minus strand). VCF-style: chrX-53201570-G-T. GRCh37 (hg19) VCF-style: chrX-53230752-G-T.
Other names: c.2041C>A (NM_004187.3); c.1840C>A, p.Arg614= (NM_001146702.2); c.2038C>A, p.Arg680= (NM_001282622.3, NM_001353979.2, NM_001353982.2); c.2041C>A, p.Arg681= (NM_001353978.3, NM_001353981.2, NM_001353984.2).
Identifiers: ClinVar variation 3015968 (VCV003015968.4), dbSNP rs370032584, ClinGen allele CA10419461.

ClinVar aggregate classification (germline): Benign/Likely benign. Review status: criteria provided, multiple submitters, no conflicts (2 of 4 stars). 2 submissions from 2 submitters: Benign (1); Likely benign (1). Last evaluated 2025-02-26.

Conditions:
KDM5C-related disorder. Also called: KDM5C-related condition.
Spastic paraplegia. Identifiers: MedGen C0037772, HP:0001258.

Allele frequency attached by ClinVar (database versions not stated): gnomAD exomes 0.00001; ExAC 0.00005; gnomAD 0.00005; ESP Exome Variant Server 0.00009; TOPMed 0.00012.
gnomAD v4.1: 17 of 1,209,766 alleles (0.0014%); highest among the groups gnomAD compares: African/African-American, 0.028%; no homozygotes.

Submissions (2):

PreventionGenetics, part of Exact Sciences
Classification: Likely benign for KDM5C-related condition. Last evaluated: 2025-02-26. Review status: criteria provided, single submitter. Criteria: ACMG Guidelines, 2015. Collection method: clinical testing. Allele origin: germline.
Comment: This variant is classified as likely benign based on ACMG/AMP sequence variant interpretation guidelines (Richards et al. 2015 PMID: 25741868, with internal and published modifications).

Labcorp Genetics (formerly Invitae), Labcorp
Classification: Benign for Spastic paraplegia. Last evaluated: 2023-09-07. Review status: criteria provided, single submitter. Criteria: Invitae Variant Classification Sherloc (09022015). Collection method: clinical testing. Allele origin: germline.